The following is an entry in ClinVar:

NM_001009944.3(PKD1):c.3200del (p.Phe1067fs)

Gene: PKD1 (polycystin 1, transient receptor potential channel interacting; minus strand). Cytogenetic location: 16p13.3.
Variant type: Deletion.
Coding change: c.3200del on transcript NM_001009944.3 (MANE Select); coding-DNA position 3200, one base deleted (T; older notation c.3200delT).
Protein change: p.Phe1067fs; shifts the reading frame from phenylalanine 1067.
Molecular consequence: frameshift variant.
Genome position (GRCh38, 1-based): chr16:2,112,435, A deleted on the plus strand (T on the coding strand, the reverse complement: PKD1 is on the minus strand); the first of 2 consecutive A bases (chr16:2,112,435-2,112,436); deleting either gives the same sequence. VCF-style (leftmost placement, unchanged base first): chr16-2112434-GA-G. GRCh37 (hg19) VCF-style: chr16-2162435-GA-G.
Other names: c.3200delT (NM_001009944.2); c.3200del, p.Phe1067fs (NM_000296.4); short protein forms F1067fs.
Identifiers: ClinVar variation 4997854 (VCV004997854.1).
Genomic context (GRCh38, chr16:2,112,434, plus strand): 5'-CACCAGCACCTGGGCCACCGAGGGGTCTGGAACCGGGAAGGACTCGTTGTACGGAGGCTG[GA>G]ACTGGTGGAGGGCCTGCTCCCCATCCCCAAAGGTCCACCTGCCGGGGCGGTGGGACGCAG-3'

ClinVar aggregate classification (germline): Likely pathogenic (1 of 4 stars; one submission).

Conditions:
PKD1-related disorder. Also called: PKD1-related condition.

Submission:

PreventionGenetics, part of Exact Sciences
Classification: Likely pathogenic for PKD1-related condition. Last evaluated: 2025-08-07. Review status: criteria provided, single submitter. Criteria: ACMG Guidelines, 2015. Collection method: clinical testing. Allele origin: germline.
Comment: The PKD1 c.3200delT variant is predicted to result in a frameshift and premature protein termination (p.Phe1067Serfs*37). To our knowledge, this variant has not been reported in the literature or in a large population database (gnomAD), indicating this variant is rare. Frameshift variants in PKD1 are expected to be pathogenic. This variant is interpreted as likely pathogenic.